The following is an entry in ClinVar:

NM_000264.5(PTCH1):c.867_868dup (p.Gly290fs)

Gene: PTCH1 (patched 1; minus strand). Cytogenetic location: 9q22.32.
Variant type: Duplication.
Coding change: c.867_868dup on transcript NM_000264.5 (MANE Select); coding-DNA positions 867 to 868, 2 bases duplicated (TG; older notation c.867_868dupTG).
Protein change: p.Gly290fs; shifts the reading frame from glycine 290.
Molecular consequence: frameshift variant. On other transcripts: non-coding transcript variant (1).
Genome position (GRCh38, 1-based): chr9:95,480,467-95,480,468, CA duplicated on the plus strand (TG on the coding strand, the reverse complement: PTCH1 is on the minus strand). VCF-style (leftmost placement, unchanged base first): chr9-95480466-C-CCA. GRCh37 (hg19) VCF-style: chr9-98242748-C-CCA.
Other names: c.669_670dup, p.Gly224fs (NM_001083602.3); c.864_865dup, p.Gly289fs (NM_001083603.3); c.414_415dup, p.Gly139fs (NM_001083604.3, NM_001083605.3, NM_001083606.3 and 1 more transcripts); c.867_868dup, p.Gly290fs (NM_001354918.2); short protein forms G139fs, G224fs, G289fs, G290fs.
Identifiers: ClinVar variation 1074038 (VCV001074038.7), dbSNP rs2118418344, ClinGen allele CA2499220081.

ClinVar aggregate classification (germline): Pathogenic (1 of 4 stars; one submission).

Conditions:
Gorlin syndrome. Also called: Basal cell nevus syndrome; Nevoid Basal Cell Carcinoma Syndrome. Identifiers: Orphanet 377, MedGen C0004779, MONDO:0007187.

Submission:

Labcorp Genetics (formerly Invitae), Labcorp
Classification: Pathogenic for Gorlin syndrome. Last evaluated: 2020-05-25. Review status: criteria provided, single submitter. Criteria: Invitae Variant Classification Sherloc (09022015). Collection method: clinical testing. Allele origin: germline.
Comment: This variant has not been reported in the literature in individuals with PTCH1-related conditions. This sequence change creates a premature translational stop signal (p.Gly290Valfs*35) in the PTCH1 gene. It is expected to result in an absent or disrupted protein product. This variant is not present in population databases (ExAC no frequency). Loss-of-function variants in PTCH1 are known to be pathogenic (PMID: 16301862, 16419085). For these reasons, this variant has been classified as Pathogenic.

Literature cited by the submitters: PubMed 16301862; PubMed 16419085.